The following is an entry in ClinVar:

ClinVar aggregate classification (germline): Pathogenic (1 of 4 stars; one submission).

Submission:

Labcorp Genetics (formerly Invitae), Labcorp
Classification: Pathogenic. Last evaluated: 2019-04-18. Review status: criteria provided, single submitter. Criteria: Invitae Variant Classification Sherloc (09022015). Collection method: clinical testing. Allele origin: germline.
Comment: This sequence change creates a premature translational stop signal (p.Ala188Leufs*16) in the GNAS gene. It is expected to result in an absent or disrupted protein product. This variant is not present in population databases (ExAC no frequency). This variant has not been reported in the literature in individuals with GNAS-related conditions. Loss-of-function variants in GNAS are known to be pathogenic (PMID: 11784876, 23281139, 23796510, 25802881). For these reasons, this variant has been classified as Pathogenic.

Literature cited by the submitters: PubMed 11784876; PubMed 23281139; PubMed 23796510; PubMed 25802881.

NM_000516.7(GNAS):c.562del (p.Ala188fs)

Gene: GNAS (GNAS complex locus; plus strand). Cytogenetic location: 20q13.32.
Variant type: Deletion.
Coding change: c.562del on transcript NM_000516.7 (MANE Select); coding-DNA position 562, one base deleted (G; older notation c.562delG).
Protein change: p.Ala188fs; shifts the reading frame from alanine 188.
Molecular consequence: frameshift variant. On other transcripts: 3 prime UTR variant (2).
Genome position (GRCh38, 1-based): chr20:58,909,193, G deleted; the last of 2 consecutive G bases (chr20:58,909,192-58,909,193); deleting either gives the same sequence. VCF-style (leftmost placement, unchanged base first): chr20-58909191-AG-A. GRCh37 (hg19) VCF-style: chr20-57484246-AG-A.
Other names: c.565del, p.Ala189fs (NM_001077488.5); c.517del, p.Ala173fs (NM_001077489.4); c.*423del (NM_001077490.3); c.385del, p.Ala129fs (NM_001309840.2, NM_001309861.2); c.*468del (NM_016592.5); c.2491del, p.Ala831fs (NM_080425.4); c.520del, p.Ala174fs (NM_080426.4); short protein forms A129fs, A174fs, A188fs, A831fs, A173fs, A189fs.
Identifiers: ClinVar variation 949649 (VCV000949649.7), dbSNP rs2091272733, ClinGen allele CA1139666757.